The following is an entry in ClinVar:

NM_052920.2(KLHL29):c.2121C>T (p.Thr707=)

Genes: ATAD2B (ATPase family AAA domain containing 2B; minus strand), KLHL29 (kelch like family member 29; plus strand). Cytogenetic location: 2p24.1.
Variant type: single nucleotide variant.
Coding change: c.2121C>T on transcript NM_052920.2 (MANE Select); coding-DNA position 2121, C replaced by T.
Protein change: p.Thr707=; no amino-acid change (threonine 707 retained).
Molecular consequence: synonymous variant.
Genome position (GRCh38, 1-based): chr2:23,703,201, C>T. VCF-style: chr2-23703201-C-T. GRCh37 (hg19) VCF-style: chr2-23926071-C-T.
Identifiers: ClinVar variation 2650711 (VCV002650711.24), dbSNP rs140516864, ClinGen allele CA1547163.
Genomic context (GRCh38, chr2:23,703,201, plus strand): 5'-ACAAGGTCCATCTTGACCCTGGGCTCTTTTTCTCCTCTCCTGCAGGTACGACACCATCAC[C>T]AACCAATGGGAGGCGGTGGCCCCTCTGCCCAAGGCAGTACACTCTGCTGCAGCCACAGTG-3'
Protein context (NP_443152.1, residues 697-717): VDHVERYDTI[Thr707=]NQWEAVAPLP

ClinVar aggregate classification (germline): Likely benign (1 of 4 stars; one submission).

Allele frequency attached by ClinVar (database versions not stated): 1000 Genomes Project 30x 0.00125; TOPMed 0.00148; 1000 Genomes Project 0.00160; ESP Exome Variant Server 0.00241; gnomAD 0.00251; gnomAD exomes 0.00274; ExAC 0.00408.
gnomAD v4.1: 3,917 of 1,457,708 alleles (0.27%); highest among the groups gnomAD compares: Non-Finnish European, 0.25%; 10 homozygotes.

Submission:

CeGaT Center for Human Genetics Tuebingen
Classification: Likely benign. Last evaluated: 2022-09-01. Review status: criteria provided, single submitter. Criteria: CeGaT Center For Human Genetics Tuebingen Variant Classification Criteria Version 2. Collection method: clinical testing. Allele origin: germline. Affected: yes. Observed: 1 variant allele.
Comment: KLHL29: BP4, BP7